The following is an entry in ClinVar:

ClinVar aggregate classification (germline): Uncertain significance (1 of 4 stars; one submission).

Conditions:
Hereditary cancer-predisposing syndrome. Also called: Hereditary neoplastic syndrome; Neoplastic Syndromes, Hereditary; Tumor predisposition; Hereditary Cancer Syndrome. Identifiers: Orphanet 140162, MedGen C0027672, MeSH D009386, MONDO:0015356.

Submission:

Ambry Genetics
Classification: Uncertain significance for Hereditary cancer-predisposing syndrome. Last evaluated: 2025-08-29. Review status: criteria provided, single submitter. Criteria: Ambry Variant Classification Scheme 2023. Collection method: clinical testing. Allele origin: germline.
Comment: The p.T556R variant (also known as c.1667C>G), located in coding exon 15 of the NF2 gene, results from a C to G substitution at nucleotide position 1667. The threonine at codon 556 is replaced by arginine, an amino acid with similar properties. This amino acid position is conserved. In addition, the in silico prediction for this alteration is inconclusive. Based on the available evidence, the clinical significance of this variant remains unclear.

NM_000268.4(NF2):c.1667C>G (p.Thr556Arg)

Gene: NF2 (NF2, moesin-ezrin-radixin like (MERLIN) tumor suppressor; plus strand). Cytogenetic location: 22q12.2.
Variant type: single nucleotide variant.
Coding change: c.1667C>G on transcript NM_000268.4 (MANE Select); coding-DNA position 1667, C replaced by G.
Protein change: p.Thr556Arg; replaces threonine 556 with arginine.
Molecular consequence: missense variant. On other transcripts: intron variant (3).
Genome position (GRCh38, 1-based): chr22:29,681,531, C>G. VCF-style: chr22-29681531-C-G. GRCh37 (hg19) VCF-style: chr22-30077520-C-G.
Other names: c.1553C>G, p.Thr518Arg (NM_001407053.1, NM_001407056.1); c.1544C>G, p.Thr515Arg (NM_001407054.1, NM_001407058.1, NM_181829.3); c.1541C>G, p.Thr514Arg (NM_001407055.1, NM_181828.3); c.1532C>G, p.Thr511Arg (NM_001407057.1, NM_001407059.1); c.1409C>G, p.Thr470Arg (NM_001407062.1); c.1418C>G, p.Thr473Arg (NM_001407063.1, NM_181830.3, NM_181831.3); c.1133C>G, p.Thr378Arg (NM_001407065.1); c.1667C>G, p.Thr556Arg (NM_001407066.1, NM_016418.5, NM_181825.3 and 1 more transcripts); and 4 more; short protein forms T378R, T511R, T515R, T518R, T556R, T470R, T479R, T473R.
Identifiers: ClinVar variation 4119223 (VCV004119223.1).